The following is an entry in ClinVar:

NM_025215.6(PUS1):c.1270G>A (p.Gly424Arg)

Gene: PUS1 (pseudouridine synthase 1; plus strand). Cytogenetic location: 12q24.33.
Variant type: single nucleotide variant.
Coding change: c.1270G>A on transcript NM_025215.6 (MANE Select); coding-DNA position 1270, G replaced by A.
Protein change: p.Gly424Arg; replaces glycine 424 with arginine.
Molecular consequence: missense variant.
Genome position (GRCh38, 1-based): chr12:131,943,572, G>A. VCF-style: chr12-131943572-G-A. GRCh37 (hg19) VCF-style: chr12-132428117-G-A.
Other names: c.1186G>A, p.Gly396Arg (NM_001002019.3, NM_001002020.3); c.1270G>A (NM_025215.5); short protein forms G424R, G396R.
Identifiers: ClinVar variation 2063730 (VCV002063730.2), dbSNP rs548416202, ClinGen allele CA6884388.

ClinVar aggregate classification (germline): Uncertain significance. Review status: criteria provided, multiple submitters, no conflicts (2 of 4 stars). 2 submissions from 2 submitters: Uncertain significance (2). Last evaluated 2023-06-01.

Allele frequency attached by ClinVar (database versions not stated): ExAC 0.00004; gnomAD exomes 0.00004; gnomAD 0.00005; TOPMed 0.00005; 1000 Genomes Project 30x 0.00016; 1000 Genomes Project 0.00020.
gnomAD v4.1: 69 of 1,613,550 alleles (0.0043%); highest among the groups gnomAD compares: Admixed American, 0.02%; no homozygotes.

Submissions (2):

Women's Health and Genetics/Laboratory Corporation of America, LabCorp
Classification: Uncertain significance. Last evaluated: 2023-06-01. Review status: criteria provided, single submitter. Criteria: LabCorp Variant Classification Summary - May 2015. Collection method: clinical testing. Allele origin: germline.
Comment: Variant summary: PUS1 c.1270G>A (p.Gly424Arg) results in a non-conservative amino acid change in the encoded protein sequence. Three of five in-silico tools predict a benign effect of the variant on protein function. The variant allele was found at a frequency of 3.6e-05 in 250652 control chromosomes. The available data on variant occurrences in the general population are insufficient to allow any conclusion about variant significance. To our knowledge, no occurrence of c.1270G>A in individuals affected with Myopathy, Lactic Acidosis, And Sideroblastic Anemia 1 and no experimental evidence demonstrating its impact on protein function have been reported. One clinical diagnostic laboratory has submitted clinical-significance assessments for this variant to ClinVar after 2014 and classified the variant as uncertain significance. Based on the evidence outlined above, the variant was classified as uncertain significance.

Labcorp Genetics (formerly Invitae), Labcorp
Classification: Uncertain significance. Last evaluated: 2022-07-26. Review status: criteria provided, single submitter. Criteria: Invitae Variant Classification Sherloc (09022015). Collection method: clinical testing. Allele origin: germline.
Comment: This sequence change replaces glycine, which is neutral and non-polar, with arginine, which is basic and polar, at codon 424 of the PUS1 protein (p.Gly424Arg). This variant is present in population databases (rs548416202, gnomAD 0.02%). This variant has not been reported in the literature in individuals affected with PUS1-related conditions. Algorithms developed to predict the effect of missense changes on protein structure and function (SIFT, PolyPhen-2, Align-GVGD) all suggest that this variant is likely to be tolerated. In summary, the available evidence is currently insufficient to determine the role of this variant in disease. Therefore, it has been classified as a Variant of Uncertain Significance.